The following is an entry in ClinVar:

ClinVar aggregate classification (germline): Likely benign. Review status: criteria provided, multiple submitters, no conflicts (2 of 4 stars). 3 submissions from 3 submitters: Likely benign (3). Last evaluated 2025-07-16.

Conditions:
Ehlers-Danlos syndrome, classic type, 1 (EDSCL1). Also called: EHLERS-DANLOS SYNDROME, GRAVIS TYPE; EHLERS-DANLOS SYNDROME, SEVERE CLASSIC TYPE; Ehlers-Danlos Syndrome, Classic Type, COL5A1-Related; EDS I; Ehlers-Danlos syndrome, type 1. Identifiers: MedGen C0268335, MONDO:0019567, OMIM 130000.

Allele frequency attached by ClinVar (database versions not stated): gnomAD 0.00001 and 0.00002; gnomAD exomes 0.00003; TOPMed 0.00003; ExAC 0.00006.
gnomAD v4.1: 22 of 1,514,212 alleles (0.0015%); highest among the groups gnomAD compares: Admixed American, 0.012%; no homozygotes.

Submissions (3):

Women's Health and Genetics/Laboratory Corporation of America, LabCorp
Classification: Likely benign. Last evaluated: 2025-07-16. Review status: criteria provided, single submitter. Criteria: LabCorp Variant Classification Summary - May 2015. Collection method: clinical testing. Allele origin: germline.

Labcorp Genetics (formerly Invitae), Labcorp
Classification: Likely benign for Ehlers-Danlos syndrome, classic type, 1. Last evaluated: 2024-06-10. Review status: criteria provided, single submitter. Criteria: Invitae Variant Classification Sherloc (09022015). Collection method: clinical testing. Allele origin: germline.

GeneDx
Classification: Likely benign. Last evaluated: 2017-06-21. Review status: criteria provided, single submitter. Criteria: GeneDx Variant Classification (06012015). Collection method: clinical testing. Allele origin: germline. Affected: yes.
Comment: This variant is considered likely benign or benign based on one or more of the following criteria: it is a conservative change, it occurs at a poorly conserved position in the protein, it is predicted to be benign by multiple in silico algorithms, and/or has population frequency not consistent with disease.

NM_000093.5(COL5A1):c.3366+18T>C

Gene: COL5A1 (collagen type V alpha 1 chain; plus strand). Cytogenetic location: 9q34.3.
Variant type: single nucleotide variant.
Coding change: c.3366+18T>C on transcript NM_000093.5 (MANE Select); 18 bases into the intron after coding-DNA position 3366, T replaced by C.
Molecular consequence: intron variant.
Genome position (GRCh38, 1-based): chr9:134,806,314, T>C. VCF-style: chr9-134806314-T-C. GRCh37 (hg19) VCF-style: chr9-137698160-T-C.
Other names: c.3366+18T>C (NM_001278074.1).
Identifiers: ClinVar variation 384024 (VCV000384024.10), dbSNP rs751538872, ClinGen allele CA5319833.
Genomic context (GRCh38, chr9:134,806,314, plus strand): 5'-GCCCCAGGGACCCCCAGGGCCGGCAGGAGAGAAAGGGGCTCCTGTAAGTACTGCCTTGGA[T>C]TGGGGGAGCCCTTCCCTCAGAGATGCTGGGGTCGTTCCGTGTCTGGCCTTGTCCCTCCCC-3'